The following is an entry in ClinVar:

ClinVar aggregate classification (germline): Likely benign. Review status: criteria provided, multiple submitters, no conflicts (2 of 4 stars). 3 submissions from 3 submitters: Likely benign (3). Last evaluated 2025-10-27.

Conditions:
MYO7A-related disorder. Also called: MYO7A-related disorders.

Allele frequency attached by ClinVar (database versions not stated): gnomAD 0.00001; TOPMed 0.00001; gnomAD exomes 0.00003 and 0.00004; ExAC 0.00005.
gnomAD v4.1: 52 of 1,613,898 alleles (0.0032%); highest among the groups gnomAD compares: Middle Eastern, 0.049%; 1 homozygote.

Submissions (3):

PreventionGenetics, part of Exact Sciences
Classification: Likely benign for MYO7A-related condition. Last evaluated: 2025-10-27. Review status: criteria provided, single submitter. Criteria: ACMG Guidelines, 2015. Collection method: clinical testing. Allele origin: germline.
Comment: This variant is classified as likely benign based on ACMG/AMP sequence variant interpretation guidelines (Richards et al. 2015 PMID: 25741868, with internal and published modifications).

Labcorp Genetics (formerly Invitae), Labcorp
Classification: Likely benign. Last evaluated: 2025-08-15. Review status: criteria provided, single submitter. Criteria: Invitae Variant Classification Sherloc (09022015). Collection method: clinical testing. Allele origin: germline.

Blueprint Genetics
Classification: Likely benign. Last evaluated: 2024-11-26. Review status: criteria provided, single submitter. Criteria: ACMG Guidelines, 2015. Collection method: clinical testing. Allele origin: germline.

NM_000260.4(MYO7A):c.525G>A (p.Leu175=)

Gene: MYO7A (myosin VIIA; plus strand). Cytogenetic location: 11q13.5.
Variant type: single nucleotide variant.
Coding change: c.525G>A on transcript NM_000260.4 (MANE Select); coding-DNA position 525, G replaced by A.
Protein change: p.Leu175=; no amino-acid change (leucine 175 retained).
Molecular consequence: synonymous variant.
Genome position (GRCh38, 1-based): chr11:77,156,714, G>A. VCF-style: chr11-77156714-G-A. GRCh37 (hg19) VCF-style: chr11-76867760-G-A.
Other names: c.525G>A, p.Leu175= (NM_001127180.2); c.492G>A, p.Leu164= (NM_001369365.1).
Identifiers: ClinVar variation 796467 (VCV000796467.12), dbSNP rs782118827, ClinGen allele CA6197163.